The following is an entry in ClinVar:

ClinVar aggregate classification (germline): Pathogenic (1 of 4 stars; one submission).

Conditions:
Bloom syndrome (BLM). Also called: Bloom-Torre-Machacek syndrome. Identifiers: Orphanet 125, MedGen C0005859, MONDO:0008876, OMIM 210900.

Submission:

Labcorp Genetics (formerly Invitae), Labcorp
Classification: Pathogenic for Bloom syndrome. Last evaluated: 2022-04-27. Review status: criteria provided, single submitter. Criteria: Invitae Variant Classification Sherloc (09022015). Collection method: clinical testing. Allele origin: germline.
Comment: For these reasons, this variant has been classified as Pathogenic. This variant has not been reported in the literature in individuals affected with BLM-related conditions. This variant is not present in population databases (gnomAD no frequency). This sequence change creates a premature translational stop signal (p.Arg1331*) in the BLM gene. It is expected to result in an absent or disrupted protein product. Loss-of-function variants in BLM are known to be pathogenic (PMID: 17407155).

Literature cited by the submitters: PubMed 17407155.

NM_000057.4(BLM):c.3991A>T (p.Arg1331Ter)

Gene: BLM (BLM RecQ like helicase; plus strand). Cytogenetic location: 15q26.1.
Variant type: single nucleotide variant.
Coding change: c.3991A>T on transcript NM_000057.4 (MANE Select); coding-DNA position 3991, A replaced by T.
Protein change: p.Arg1331Ter; replaces arginine 1331 with a stop codon.
Molecular consequence: nonsense.
Genome position (GRCh38, 1-based): chr15:90,811,321, A>T. VCF-style: chr15-90811321-A-T. GRCh37 (hg19) VCF-style: chr15-91354551-A-T.
Other names: c.3991A>T, p.Arg1331Ter (NM_001287246.2); c.3598A>T, p.Arg1200Ter (NM_001287247.2); c.2866A>T, p.Arg956Ter (NM_001287248.2); short protein forms R956*, R1200*, R1331*.
Identifiers: ClinVar variation 1960947 (VCV001960947.5), dbSNP rs150631940, ClinGen allele CA393851088.